The following is an entry in ClinVar:

ClinVar aggregate classification (germline): Uncertain significance. Review status: criteria provided, multiple submitters, no conflicts (2 of 4 stars). 2 submissions from 2 submitters: Uncertain significance (2). Last evaluated 2022-04-29.

Conditions:
Primary ciliary dyskinesia. Also called: Ciliary dyskinesia. Identifiers: Orphanet 244, MedGen C0008780, MONDO:0016575, HP:0012265.

Allele frequency attached by ClinVar (database versions not stated): gnomAD 0.00003.
gnomAD v4.1: 27 of 1,598,110 alleles (0.0017%); highest among the groups gnomAD compares: South Asian, 0.01%; no homozygotes.

Submissions (2):

Labcorp Genetics (formerly Invitae), Labcorp
Classification: Uncertain significance for Primary ciliary dyskinesia. Last evaluated: 2022-04-29. Review status: criteria provided, single submitter. Criteria: Invitae Variant Classification Sherloc (09022015). Collection method: clinical testing. Allele origin: germline.
Comment: This sequence change replaces valine, which is neutral and non-polar, with methionine, which is neutral and non-polar, at codon 522 of the DNAAF5 protein (p.Val522Met). The frequency data for this variant in the population databases is considered unreliable, as metrics indicate poor data quality at this position in the gnomAD database. This variant has not been reported in the literature in individuals affected with DNAAF5-related conditions. Algorithms developed to predict the effect of missense changes on protein structure and function are either unavailable or do not agree on the potential impact of this missense change (SIFT: "Deleterious"; PolyPhen-2: "Possibly Damaging"; Align-GVGD: "Class C0"). In summary, the available evidence is currently insufficient to determine the role of this variant in disease. Therefore, it has been classified as a Variant of Uncertain Significance.

Ambry Genetics
Classification: Uncertain significance for Primary ciliary dyskinesia. Last evaluated: 2019-06-01. Review status: criteria provided, single submitter. Criteria: Ambry Variant Classification Scheme 2023. Collection method: clinical testing. Allele origin: germline.
Comment: The p.V522M variant (also known as c.1564G>A), located in coding exon 7 of the DNAAF5 gene, results from a G to A substitution at nucleotide position 1564. The valine at codon 522 is replaced by methionine, an amino acid with highly similar properties. This amino acid position is highly conserved in available vertebrate species. In addition, this alteration is predicted to be tolerated by in silico analysis. Since supporting evidence is limited at this time, the clinical significance of this alteration remains unclear.

NM_017802.4(DNAAF5):c.1564G>A (p.Val522Met)

Gene: DNAAF5 (dynein axonemal assembly factor 5; plus strand). Cytogenetic location: 7p22.3.
Variant type: single nucleotide variant.
Coding change: c.1564G>A on transcript NM_017802.4 (MANE Select); coding-DNA position 1564, G replaced by A.
Protein change: p.Val522Met; replaces valine 522 with methionine.
Molecular consequence: missense variant. On other transcripts: non-coding transcript variant (1).
Genome position (GRCh38, 1-based): chr7:761,846, G>A. VCF-style: chr7-761846-G-A. GRCh37 (hg19) VCF-style: chr7-801483-G-A.
Other names: short protein forms V522M.
Identifiers: ClinVar variation 1775339 (VCV001775339.4), dbSNP rs573265374, ClinGen allele CA152344871.
Genomic context (GRCh38, chr7:761,846, plus strand): 5'-CAGGCTCTGGTGTCTGTGTGTCATGAGGACTGTGGCGTGGCCAGCCTGCAGCTCTTGGAC[G>A]TGCTGCTGACAATAGTGGCCCTCGCAGGTGCTACCGGCCTGAGGGACAAGGTAAGGCTGA-3'
Protein context (NP_060272.3, residues 512-532): CGVASLQLLD[Val522Met]LLTIVALAGA